The following is an entry in ClinVar:

NM_005609.4(PYGM):c.541G>A (p.Asp181Asn)

Gene: PYGM (glycogen phosphorylase, muscle associated; minus strand). Cytogenetic location: 11q13.1.
Variant type: single nucleotide variant.
Coding change: c.541G>A on transcript NM_005609.4 (MANE Select); coding-DNA position 541, G replaced by A.
Protein change: p.Asp181Asn; replaces aspartic acid 181 with asparagine.
Molecular consequence: missense variant.
Genome position (GRCh38, 1-based): chr11:64,757,898, C>T on the plus strand (G>A on the coding strand, the complement: PYGM is on the minus strand). VCF-style: chr11-64757898-C-T. GRCh37 (hg19) VCF-style: chr11-64525370-C-T.
Other names: c.277G>A, p.Asp93Asn (NM_001164716.1); short protein forms D181N, D93N.
Identifiers: ClinVar variation 305281 (VCV000305281.10), dbSNP rs551666681, ClinGen allele CA6080209.

ClinVar aggregate classification (germline): Uncertain significance. Review status: criteria provided, multiple submitters, no conflicts (2 of 4 stars). 4 submissions from 4 submitters: Uncertain significance (3). 1 of the submissions does not count toward it. Last evaluated 2022-07-11.

Conditions:
Glycogen storage disease, type V (GSD5). Also called: MCARDLE DISEASE; MUSCLE GLYCOGEN PHOSPHORYLASE DEFICIENCY; MYOPHOSPHORYLASE DEFICIENCY; PYGM DEFICIENCY; McArdle type glycogen storage disease. Identifiers: Orphanet 368, MedGen C0017924, MONDO:0009293, OMIM 232600.

Allele frequency attached by ClinVar (database versions not stated): gnomAD 0.00001; TOPMed 0.00001; ExAC 0.00003; gnomAD exomes 0.00004.
gnomAD v4.1: 45 of 1,613,930 alleles (0.0028%); highest among the groups gnomAD compares: South Asian, 0.032%; 2 homozygotes.

Submissions (4):

Labcorp Genetics (formerly Invitae), Labcorp
Classification: Uncertain significance for Glycogen storage disease, type V. Last evaluated: 2022-07-11. Review status: criteria provided, single submitter. Criteria: Invitae Variant Classification Sherloc (09022015). Collection method: clinical testing. Allele origin: germline.
Comment: This sequence change replaces aspartic acid, which is acidic and polar, with asparagine, which is neutral and polar, at codon 181 of the PYGM protein (p.Asp181Asn). This variant is present in population databases (rs551666681, gnomAD 0.02%). This variant has not been reported in the literature in individuals affected with PYGM-related conditions. ClinVar contains an entry for this variant (Variation ID: 305281). Algorithms developed to predict the effect of missense changes on protein structure and function are either unavailable or do not agree on the potential impact of this missense change (SIFT: "Not Available"; PolyPhen-2: "Probably Damaging"; Align-GVGD: "Not Available"). In summary, the available evidence is currently insufficient to determine the role of this variant in disease. Therefore, it has been classified as a Variant of Uncertain Significance.

Genome-Nilou Lab
Classification: Uncertain significance for Glycogen storage disease, type V. Last evaluated: 2021-07-22. Review status: criteria provided, single submitter. Criteria: ACMG Guidelines, 2015. Collection method: clinical testing. Allele origin: germline. Affected: no.

Illumina Laboratory Services, Illumina
Classification: Uncertain significance for Glycogen storage disease, type V. Last evaluated: 2018-01-13. Review status: criteria provided, single submitter. Criteria: ICSL Variant Classification Criteria 13 December 2019. Collection method: clinical testing. Allele origin: germline.

Natera, Inc.
Classification: Uncertain significance for Glycogen storage disease V. Last evaluated: 2020-04-14. Review status: no assertion criteria provided. Collection method: clinical testing. Allele origin: germline. Not counted in ClinVar's aggregate classification.